The following is an entry in ClinVar:

ClinVar aggregate classification (germline): Uncertain significance. Review status: criteria provided, multiple submitters, no conflicts (2 of 4 stars). 2 submissions from 2 submitters: Uncertain significance (2). Last evaluated 2025-07-24.

Conditions:
Hypertrophic cardiomyopathy. Also called: HYPERTROPHIC MYOCARDIOPATHY. Identifiers: Orphanet 217569, MedGen C0007194, MeSH D002312, MONDO:0005045, HP:0001639.

Allele frequency attached by ClinVar (database versions not stated): gnomAD exomes below 0.00001 and 0.00002; ExAC 0.00001; gnomAD 0.00001; TOPMed 0.00003.
gnomAD v4.1: 23 of 1,612,742 alleles (0.0014%); highest among the groups gnomAD compares: Non-Finnish European, 0.0018%; no homozygotes.

Submissions (2):

Ambry Genetics
Classification: Uncertain significance. Last evaluated: 2025-07-24. Review status: criteria provided, single submitter. Criteria: Ambry Variant Classification Scheme 2023. Collection method: clinical testing. Allele origin: germline.
Comment: The p.R947H variant (also known as c.2840G>A), located in coding exon 18 of the MYOM1 gene, results from a G to A substitution at nucleotide position 2840. The arginine at codon 947 is replaced by histidine, an amino acid with highly similar properties. This amino acid position is conserved. In addition, this alteration is predicted to be tolerated by in silico analysis. Based on the available evidence, the clinical significance of this variant remains unclear.

Labcorp Genetics (formerly Invitae), Labcorp
Classification: Uncertain significance for Hypertrophic cardiomyopathy. Last evaluated: 2022-05-10. Review status: criteria provided, single submitter. Criteria: Invitae Variant Classification Sherloc (09022015). Collection method: clinical testing. Allele origin: germline.
Comment: This variant is present in population databases (rs764056484, gnomAD 0.0009%). In summary, the available evidence is currently insufficient to determine the role of this variant in disease. Therefore, it has been classified as a Variant of Uncertain Significance. Algorithms developed to predict the effect of missense changes on protein structure and function output the following: SIFT: "Deleterious"; PolyPhen-2: "Benign"; Align-GVGD: "Class C0". The histidine amino acid residue is found in multiple mammalian species, which suggests that this missense change does not adversely affect protein function. This variant has not been reported in the literature in individuals affected with MYOM1-related conditions. This sequence change replaces arginine, which is basic and polar, with histidine, which is basic and polar, at codon 947 of the MYOM1 protein (p.Arg947His).

NM_003803.4(MYOM1):c.2840G>A (p.Arg947His)

Gene: MYOM1 (myomesin 1; minus strand). Cytogenetic location: 18p11.31.
Variant type: single nucleotide variant.
Coding change: c.2840G>A on transcript NM_003803.4 (MANE Select); coding-DNA position 2840, G replaced by A.
Protein change: p.Arg947His; replaces arginine 947 with histidine.
Molecular consequence: missense variant.
Genome position (GRCh38, 1-based): chr18:3,126,852, C>T on the plus strand (G>A on the coding strand, the complement: MYOM1 is on the minus strand). VCF-style: chr18-3126852-C-T. GRCh37 (hg19) VCF-style: chr18-3126850-C-T.
Other names: c.2552G>A, p.Arg851His (NM_019856.2); c.2840G>A (NM_003803.3); short protein forms R851H, R947H.
Identifiers: ClinVar variation 1355709 (VCV001355709.8), dbSNP rs764056484, ClinGen allele CA8874510.